The following is an entry in ClinVar:

NM_004526.4(MCM2):c.566C>T (p.Ala189Val)

Gene: MCM2 (minichromosome maintenance complex component 2; plus strand). Cytogenetic location: 3q21.3.
Variant type: single nucleotide variant.
Coding change: c.566C>T on transcript NM_004526.4 (MANE Select); coding-DNA position 566, C replaced by T.
Protein change: p.Ala189Val; replaces alanine 189 with valine.
Molecular consequence: missense variant. On other transcripts: non-coding transcript variant (1).
Genome position (GRCh38, 1-based): chr3:127,605,049, C>T. VCF-style: chr3-127605049-C-T. GRCh37 (hg19) VCF-style: chr3-127323892-C-T.
Other names: short protein forms A189V.
Identifiers: ClinVar variation 3352073 (VCV003352073.1).

ClinVar aggregate classification (germline): Uncertain significance (0 of 4 stars; one submission).

Conditions:
MCM2-related disorder. Also called: MCM2-related condition.

gnomAD v4.1: 19 of 1,613,922 alleles (0.0012%); highest among the groups gnomAD compares: African/African-American, 0.016%; no homozygotes.

Submission:

PreventionGenetics, part of Exact Sciences
Classification: Uncertain significance for MCM2-related condition. Last evaluated: 2024-03-18. Review status: no assertion criteria provided. Collection method: clinical testing. Allele origin: germline.
Comment: The MCM2 c.566C>T variant is predicted to result in the amino acid substitution p.Ala189Val. To our knowledge, this variant has not been reported in the literature. This variant is reported in 0.043% of alleles in individuals of African descent in gnomAD. At this time, the clinical significance of this variant is uncertain due to the absence of conclusive functional and genetic evidence.